The following is an entry in ClinVar:

ClinVar aggregate classification (germline): Uncertain significance (1 of 4 stars; one submission).

Conditions:
Hereditary cancer-predisposing syndrome. Also called: Neoplastic Syndromes, Hereditary; Hereditary neoplastic syndrome; Tumor predisposition; Hereditary Cancer Syndrome. Identifiers: Orphanet 140162, MedGen C0027672, MeSH D009386, MONDO:0015356.

Submission:

Ambry Genetics
Classification: Uncertain significance for Hereditary cancer-predisposing syndrome. Last evaluated: 2026-02-12. Review status: criteria provided, single submitter. Criteria: Ambry Variant Classification Scheme 2023. Collection method: clinical testing. Allele origin: germline.
Comment: The p.Q241R variant (also known as c.722A>G), located in coding exon 4 of the MSH3 gene, results from an A to G substitution at nucleotide position 722. The glutamine at codon 241 is replaced by arginine, an amino acid with highly similar properties. This amino acid position is not well conserved in available vertebrate species. In addition, this alteration is predicted to be tolerated by in silico analysis. Based on the available evidence, the clinical significance of this variant remains unclear.

NM_002439.5(MSH3):c.722A>G (p.Gln241Arg)

Gene: MSH3 (mutS homolog 3; plus strand). Cytogenetic location: 5q14.1.
Variant type: single nucleotide variant.
Coding change: c.722A>G on transcript NM_002439.5 (MANE Select); coding-DNA position 722, A replaced by G.
Protein change: p.Gln241Arg; replaces glutamine 241 with arginine.
Molecular consequence: missense variant.
Genome position (GRCh38, 1-based): chr5:80,670,239, A>G. VCF-style: chr5-80670239-A-G. GRCh37 (hg19) VCF-style: chr5-79966058-A-G.
Other names: short protein forms Q241R.
Identifiers: ClinVar variation 4824381 (VCV004824381.1).